The following is an entry in ClinVar:

NM_001039660.2(IL18BP):c.61G>A (p.Ala21Thr)

Gene: IL18BP (interleukin 18 binding protein; plus strand). Cytogenetic location: 11q13.4.
Variant type: single nucleotide variant.
Coding change: c.61G>A on transcript NM_001039660.2 (MANE Select); coding-DNA position 61, G replaced by A.
Protein change: p.Ala21Thr; replaces alanine 21 with threonine.
Molecular consequence: missense variant.
Genome position (GRCh38, 1-based): chr11:72,000,383, G>A. VCF-style: chr11-72000383-G-A. GRCh37 (hg19) VCF-style: chr11-71711429-G-A.
Other names: c.61G>A, p.Ala21Thr (NM_001039659.2, NM_001145055.1, NM_001145057.1 and 3 more transcripts); short protein forms A21T.
Identifiers: ClinVar variation 3709743 (VCV003709743.3).

ClinVar aggregate classification (germline): Uncertain significance. Review status: criteria provided, multiple submitters, no conflicts (2 of 4 stars). 2 submissions from 2 submitters: Uncertain significance (2). Last evaluated 2025-06-11.

gnomAD v4.1: 24 of 1,613,936 alleles (0.0015%); highest among the groups gnomAD compares: East Asian, 0.051%; no homozygotes.

Submissions (2):

Ambry Genetics
Classification: Uncertain significance. Last evaluated: 2025-06-11. Review status: criteria provided, single submitter. Criteria: Ambry Variant Classification Scheme 2023. Collection method: clinical testing. Allele origin: germline.

Labcorp Genetics (formerly Invitae), Labcorp
Classification: Uncertain significance. Last evaluated: 2024-09-25. Review status: criteria provided, single submitter. Criteria: Invitae Variant Classification Sherloc (09022015). Collection method: clinical testing. Allele origin: germline.
Comment: This sequence change replaces alanine, which is neutral and non-polar, with threonine, which is neutral and polar, at codon 21 of the IL18BP protein (p.Ala21Thr). This variant is present in population databases (rs186377970, gnomAD 0.1%), and has an allele count higher than expected for a pathogenic variant. This variant has not been reported in the literature in individuals affected with IL18BP-related conditions. An algorithm developed to predict the effect of missense changes on protein structure and function (PolyPhen-2) suggests that this variant is likely to be tolerated. In summary, the available evidence is currently insufficient to determine the role of this variant in disease. Therefore, it has been classified as a Variant of Uncertain Significance.